The following is an entry in ClinVar:

ClinVar aggregate classification (germline): Benign (1 of 4 stars; one submission).

Submission:

Laboratory for Molecular Medicine, Mass General Brigham Personalized Medicine
Classification: Benign. Last evaluated: 2013-12-27. Review status: criteria provided, single submitter. Criteria: LMM Criteria. Collection method: clinical testing. Allele origin: germline. Observed: 1 variant allele.
Comment: Benign based on high population frequency. Also - 5'UTR and outside Kozak.

NM_001010892.3(RSPH4A):c.-16_-12delinsCACGCCCCTTTCATCCA

Genes: RSPH4A (radial spoke head component 4A; plus strand), LOC129997051 (ATAC-STARR-seq lymphoblastoid active region 24997; plus strand). Cytogenetic location: 6q22.1.
Variant type: Indel.
Coding change: c.-16_-12delinsCACGCCCCTTTCATCCA on transcript NM_001010892.3 (MANE Select); 16 bases upstream of the start codon through 12 bases upstream of the start codon, TTCTT replaced by CACGCCCCTTTCATCCA.
Molecular consequence: 5 prime UTR variant.
Genome position (GRCh38, 1-based): chr6:116,616,608-116,616,612, TTCTT replaced by CACGCCCCTTTCATCCA. VCF-style: chr6-116616608-TTCTT-CACGCCCCTTTCATCCA. GRCh37 (hg19) VCF-style: chr6-116937771-TTCTT-CACGCCCCTTTCATCCA.
Other names: c.-16_-12delinsCACGCCCCTTTCATCCA (NM_001161664.2).
Identifiers: ClinVar variation 179470 (VCV000179470.9), dbSNP rs727504884, ClinGen allele CA184479.